The following is an entry in ClinVar:

NM_006351.4(TIMM44):c.313-15G>A

Gene: TIMM44 (translocase of inner mitochondrial membrane 44; minus strand). Cytogenetic location: 19p13.2.
Variant type: single nucleotide variant.
Coding change: c.313-15G>A on transcript NM_006351.4 (MANE Select); 15 bases into the intron before coding-DNA position 313, G replaced by A.
Molecular consequence: intron variant.
Genome position (GRCh38, 1-based): chr19:7,935,160, C>T on the plus strand (G>A on the coding strand, the complement: TIMM44 is on the minus strand). VCF-style: chr19-7935160-C-T. GRCh37 (hg19) VCF-style: chr19-8000045-C-T.
Identifiers: ClinVar variation 137657 (VCV000137657.2), dbSNP rs35989631, ClinGen allele CA291310.
Genomic context (GRCh38, chr19:7,935,160, plus strand): 5'-TCCGTAGCACCTCGCTCGTCCGCACGGTTTCTGACTCGATGGTTTTCTAGGTAAAGAGCG[C>T]TGTGTCCTTTTTTTTTTTTTTTTTTTTGAGACAATGTCTCCGTTGCCGAGGCTGGAGTAC-3'

ClinVar aggregate classification (germline): Benign. Review status: criteria provided, multiple submitters, no conflicts (2 of 4 stars). 2 submissions from 2 submitters: Benign (2). Last evaluated 2013-09-05.

Allele frequency attached by ClinVar (database versions not stated): 1000 Genomes Project 0.17272; TOPMed 0.25349; gnomAD 0.25770 and 0.24910; ESP Exome Variant Server 0.27046; 1000 Genomes Project 30x 0.17598; gnomAD exomes 0.23637; ExAC 0.26128.
gnomAD v4.1: 417,062 of 1,541,500 alleles (27%); highest among the groups gnomAD compares: Non-Finnish European, 30%; 60,297 homozygotes.

Submissions (2):

GeneDx
Classification: Benign. Last evaluated: 2013-09-05. Review status: criteria provided, single submitter. Criteria: GeneDx Variant Classification (06012015). Collection method: clinical testing. Allele origin: germline. Affected: yes.
Comment: This variant is considered likely benign or benign based on one or more of the following criteria: it is a conservative change, it occurs at a poorly conserved position in the protein, it is predicted to be benign by multiple in silico algorithms, and/or has population frequency not consistent with disease.

Breakthrough Genomics
Classification: Benign. Review status: criteria provided, single submitter. Criteria: ACMG Guidelines, 2015. Collection method: not provided. Allele origin: germline. Inheritance: Unknown mechanism. Affected: yes.